The following is an entry in ClinVar:

NM_022455.5(NSD1):c.5858G>C (p.Gly1953Ala)

Gene: NSD1 (nuclear receptor binding SET domain protein 1; plus strand). Cytogenetic location: 5q35.3.
Variant type: single nucleotide variant.
Coding change: c.5858G>C on transcript NM_022455.5 (MANE Select); coding-DNA position 5858, G replaced by C.
Protein change: p.Gly1953Ala; replaces glycine 1953 with alanine.
Molecular consequence: missense variant.
Genome position (GRCh38, 1-based): chr5:177,280,800, G>C. VCF-style: chr5-177280800-G-C. GRCh37 (hg19) VCF-style: chr5-176707801-G-C.
Other names: c.4985G>C, p.Gly1662Ala (NM_001365684.2, NM_001409308.1, NM_001409309.1 and 1 more transcripts); c.5858G>C, p.Gly1953Ala (NM_001409301.1, NM_001409302.1, NM_001409303.1); c.5438G>C, p.Gly1813Ala (NM_001409304.1); c.5105G>C, p.Gly1702Ala (NM_001409305.1); c.5096G>C, p.Gly1699Ala (NM_001409306.1, NM_001409307.1); short protein forms G1953A, G1684A, G1702A, G1662A, G1813A, G1699A.
Identifiers: ClinVar variation 1456428 (VCV001456428.8), dbSNP rs2127257578, ClinGen allele CA362313759.

ClinVar aggregate classification (germline): Pathogenic (1 of 4 stars; one submission).

Submission:

Labcorp Genetics (formerly Invitae), Labcorp
Classification: Pathogenic. Last evaluated: 2021-04-26. Review status: criteria provided, single submitter. Criteria: Invitae Variant Classification Sherloc (09022015). Collection method: clinical testing. Allele origin: germline.
Comment: For these reasons, this variant has been classified as Pathogenic. Advanced modeling of protein sequence and biophysical properties (such as structural, functional, and spatial information, amino acid conservation, physicochemical variation, residue mobility, and thermodynamic stability) performed at Invitae indicates that this missense variant is expected to disrupt NSD1 protein function. This variant has been observed in individual(s) with clinical features of NSD1-related conditions (Invitae). In at least one individual the variant was observed to be de novo. This variant is not present in population databases (ExAC no frequency). This sequence change replaces glycine with alanine at codon 1953 of the NSD1 protein (p.Gly1953Ala). The glycine residue is highly conserved and there is a small physicochemical difference between glycine and alanine.